The following is an entry in ClinVar:

NM_001365999.1(SZT2):c.4982A>T (p.Asp1661Val)

Gene: SZT2 (SZT2 subunit of KICSTOR complex; plus strand). Cytogenetic location: 1p34.2.
Variant type: single nucleotide variant.
Coding change: c.4982A>T on transcript NM_001365999.1 (MANE Select); coding-DNA position 4982, A replaced by T.
Protein change: p.Asp1661Val; replaces aspartic acid 1661 with valine.
Molecular consequence: missense variant.
Genome position (GRCh38, 1-based): chr1:43,431,330, A>T. VCF-style: chr1-43431330-A-T. GRCh37 (hg19) VCF-style: chr1-43897001-A-T.
Other names: c.4811A>T, p.Asp1604Val (NM_015284.4); short protein forms D1604V, D1661V.
Identifiers: ClinVar variation 950715 (VCV000950715.9), dbSNP rs771929400, ClinGen allele CA809431.

ClinVar aggregate classification (germline): Uncertain significance (1 of 4 stars; one submission).

Allele frequency attached by ClinVar (database versions not stated): ExAC 0.00001.

Submission:

Labcorp Genetics (formerly Invitae), Labcorp
Classification: Uncertain significance. Last evaluated: 2026-01-12. Review status: criteria provided, single submitter. Criteria: Invitae Variant Classification Sherloc (09022015). Collection method: clinical testing. Allele origin: germline.
Comment: This sequence change replaces aspartic acid, which is acidic and polar, with valine, which is neutral and non-polar, at codon 1604 of the SZT2 protein (p.Asp1604Val). This variant is present in population databases (rs771929400, gnomAD 0.0009%). This variant has not been reported in the literature in individuals affected with SZT2-related conditions. ClinVar contains an entry for this variant (Variation ID: 950715). Invitae Evidence Modeling of protein sequence and biophysical properties (such as structural, functional, and spatial information, amino acid conservation, physicochemical variation, residue mobility, and thermodynamic stability) has been performed for this missense variant. However, the output from this modeling did not meet the statistical confidence thresholds required to predict the impact of this variant on SZT2 protein function. Algorithms developed to predict the effect of sequence changes on RNA splicing suggest that this variant may disrupt the consensus splice site. In summary, the available evidence is currently insufficient to determine the role of this variant in disease. Therefore, it has been classified as a Variant of Uncertain Significance.